The following is an entry in ClinVar:

ClinVar aggregate classification (germline): Uncertain significance. Review status: criteria provided, multiple submitters, no conflicts (2 of 4 stars). 8 submissions from 8 submitters: Uncertain significance (8). Last evaluated 2025-12-23.

Conditions:
Hereditary cancer-predisposing syndrome. Also called: Neoplastic Syndromes, Hereditary; Hereditary Cancer Syndrome; Hereditary neoplastic syndrome; Tumor predisposition. Identifiers: Orphanet 140162, MedGen C0027672, MeSH D009386, MONDO:0015356.
Hereditary pheochromocytoma and paraganglioma. Also called: Hereditary Paraganglioma-Pheochromocytoma Syndromes; Hereditary pheochromocytoma-paraganglioma; Hereditary paragangliomas and pheochromocytomas. Identifiers: Orphanet 29072, MedGen C4274332, MONDO:0017366.
Gastrointestinal stromal tumor. Also called: Gastrointestinal stroma tumor; Gastrointestinal stromal tumor, somatic. Identifiers: Orphanet 44890, MedGen C0238198, MeSH D046152, MONDO:0011719, OMIM 606764, HP:0100723.
Pheochromocytoma/paraganglioma syndrome 3. Also called: GLOMUS TUMORS, FAMILIAL, 3; Paragangliomas 3; SDHC-Related Hereditary Paraganglioma-Pheochromocytoma Syndrome (Paragangliomas 3); SDHC-Related Hereditary Paraganglioma-Pheochromocytoma Syndrome. Identifiers: Orphanet 29072, MedGen C1854336, MONDO:0011544, OMIM 605373.

Allele frequency attached by ClinVar (database versions not stated): gnomAD exomes 0.00001; ExAC 0.00002.
gnomAD v4.1: 10 of 1,613,720 alleles (0.00062%); highest among the groups gnomAD compares: South Asian, 0.0011%; no homozygotes.

Submissions (8):

Labcorp Genetics (formerly Invitae), Labcorp
Classification: Uncertain significance for Pheochromocytoma/paraganglioma syndrome 3; Gastrointestinal stromal tumor. Last evaluated: 2025-12-23. Review status: criteria provided, single submitter. Criteria: Invitae Variant Classification Sherloc (09022015). Collection method: clinical testing. Allele origin: germline.
Comment: This sequence change replaces leucine, which is neutral and non-polar, with phenylalanine, which is neutral and non-polar, at codon 14 of the SDHC protein (p.Leu14Phe). This variant is present in population databases (rs760986608, gnomAD 0.003%). This variant has not been reported in the literature in individuals affected with SDHC-related conditions. ClinVar contains an entry for this variant (Variation ID: 439297). An algorithm developed to predict the effect of missense changes on protein structure and function (PolyPhen-2) suggests that this variant is likely to be tolerated. In summary, the available evidence is currently insufficient to determine the role of this variant in disease. Therefore, it has been classified as a Variant of Uncertain Significance.

GeneDx
Classification: Uncertain significance. Last evaluated: 2024-08-29. Review status: criteria provided, single submitter. Criteria: GeneDx Variant Classification Process June 2021. Collection method: clinical testing. Allele origin: germline.
Comment: Not observed at significant frequency in large population cohorts (gnomAD); In silico analysis supports that this missense variant has a deleterious effect on protein structure/function; Has not been previously published as pathogenic or benign to our knowledge

All of Us Research Program, National Institutes of Health
Classification: Uncertain significance for Hereditary pheochromocytoma and paraganglioma. Last evaluated: 2024-03-05. Review status: criteria provided, single submitter. Criteria: ACMG Guidelines, 2015. Collection method: clinical testing. Allele origin: germline. Inheritance: Autosomal dominant inheritance. Observed: 4 variant alleles, 4 heterozygotes.
Comment: This missense variant replaces leucine with phenylalanine at codon 14 of the SDHC protein. Computational prediction suggests that this variant may have deleterious impact on protein structure and function (internally defined REVEL score threshold >= 0.7, PMID: 27666373). To our knowledge, functional studies have not been reported for this variant. This variant has not been reported in individuals affected with SDHC-related disorders in the literature. This variant has been identified in 3/248946 chromosomes in the general population by the Genome Aggregation Database (gnomAD). The available evidence is insufficient to determine the role of this variant in disease conclusively. Therefore, this variant is classified as a Variant of Uncertain Significance.

This study involves interpretation of variants in research participants for the purpose of population health screening. Participant phenotype was not available at the time of variant classification. Additional details can be found in publication PMID: 35346344, PMCID: PMC8962531

Color Diagnostics, LLC DBA Color Health
Classification: Uncertain significance for Hereditary pheochromocytoma and paraganglioma. Last evaluated: 2024-02-14. Review status: criteria provided, single submitter. Criteria: ACMG Guidelines, 2015. Collection method: clinical testing. Allele origin: germline.
Comment: This missense variant replaces leucine with phenylalanine at codon 14 of the SDHC protein. Computational prediction suggests that this variant may have deleterious impact on protein structure and function. To our knowledge, functional studies have not been reported for this variant. This variant has not been reported in individuals affected with SDHC-related disorders in the literature. This variant has been identified in 3/248946 chromosomes in the general population by the Genome Aggregation Database (gnomAD). The available evidence is insufficient to determine the role of this variant in disease conclusively. Therefore, this variant is classified as a Variant of Uncertain Significance.

Ambry Genetics
Classification: Uncertain significance for Hereditary cancer-predisposing syndrome. Last evaluated: 2024-01-08. Review status: criteria provided, single submitter. Criteria: Ambry Variant Classification Scheme 2023. Collection method: clinical testing. Allele origin: germline.
Comment: The p.L14F variant (also known as c.40C>T), located in coding exon 2 of the SDHC gene, results from a C to T substitution at nucleotide position 40. The leucine at codon 14 is replaced by phenylalanine, an amino acid with highly similar properties. This amino acid position is highly conserved in available vertebrate species. In addition, this alteration is predicted to be deleterious by in silico analysis. Since supporting evidence is limited at this time, the clinical significance of this alteration remains unclear.

Baylor Genetics
Classification: Uncertain significance for Gastrointestinal stromal tumor. Last evaluated: 2023-12-25. Review status: criteria provided, single submitter. Criteria: ACMG Guidelines, 2015. Collection method: clinical testing. Allele origin: unknown.

Sema4
Classification: Uncertain significance for Hereditary cancer-predisposing syndrome. Last evaluated: 2021-07-27. Review status: criteria provided, single submitter. Criteria: Sema4 Curation Guidelines. Collection method: curation. Allele origin: germline.
Comment: The SDHC c.40C>T (p.L14F) variant has not been reported in the literature to our knowledge. It was observed in 3/111326 chromosomes of the Non-Finnish European subpopulation in the large and broad cohorts of the Genome Aggregation Database (PMID: 32461654). The variant has been reported in ClinVar (Variation ID 439297). In silico tools suggest the impact of the variant on protein function is deleterious, though these predictions have not been confirmed by functional studies. The evidence is insufficient to meet ACMG/AMP criteria for classifying the variant as benign or pathogenic. Thus, the clinical significance of this variant is currently uncertain.

Quest Diagnostics Nichols Institute San Juan Capistrano
Classification: Uncertain significance. Last evaluated: 2017-02-23. Review status: criteria provided, single submitter. Criteria: Quest Diagnostics criteria. Collection method: clinical testing. Allele origin: germline.

NM_003001.5(SDHC):c.40C>T (p.Leu14Phe)

Gene: SDHC (succinate dehydrogenase complex subunit C; plus strand). Cytogenetic location: 1q23.3.
Variant type: single nucleotide variant.
Coding change: c.40C>T on transcript NM_003001.5 (MANE Select); coding-DNA position 40, C replaced by T.
Protein change: p.Leu14Phe; replaces leucine 14 with phenylalanine.
Molecular consequence: missense variant. On other transcripts: 5 prime UTR variant (2), non-coding transcript variant (1), intron variant (4).
Genome position (GRCh38, 1-based): chr1:161,323,633, C>T. VCF-style: chr1-161323633-C-T. GRCh37 (hg19) VCF-style: chr1-161293423-C-T.
Other names: c.40C>T, p.Leu14Phe (NM_001035511.3, NM_001035512.3, NM_001278172.3 and 2 more transcripts); c.-72C>T (NM_001407119.1); c.-190C>T (NM_001407120.1); c.21-4763C>T (NM_001407116.1, NM_001407121.1, NM_001407117.1); c.20+9208C>T (NM_001035513.3); short protein forms L14F.
Identifiers: ClinVar variation 439297 (VCV000439297.22), dbSNP rs760986608, ClinGen allele CA047926.
Genomic context (GRCh38, chr1:161,323,633, plus strand): 5'-TCTCTAAATGTGTATTGATTTTTGATTCTCTTATCTTGCAGACACGTTGGTCGTCATTGC[C>T]TCCGAGCCCACTTTAGCCCTCAGCTCTGTATCAGAAAGTAAGTTTCTAAGTCTGGAGATT-3'
Protein context (NP_002992.1, residues 4-24): LLLRHVGRHC[Leu14Phe]RAHFSPQLCI